The following is an entry in ClinVar:

ClinVar aggregate classification (germline): Uncertain significance (1 of 4 stars; one submission).

Allele frequency attached by ClinVar (database versions not stated): gnomAD exomes 0.00001.
gnomAD v4.1: 4 of 1,614,192 alleles (0.00025%); highest among the groups gnomAD compares: South Asian, 0.0022%; no homozygotes.

Submission:

Labcorp Genetics (formerly Invitae), Labcorp
Classification: Uncertain significance. Last evaluated: 2022-06-09. Review status: criteria provided, single submitter. Criteria: Invitae Variant Classification Sherloc (09022015). Collection method: clinical testing. Allele origin: germline.
Comment: In summary, the available evidence is currently insufficient to determine the role of this variant in disease. Therefore, it has been classified as a Variant of Uncertain Significance. Algorithms developed to predict the effect of missense changes on protein structure and function are either unavailable or do not agree on the potential impact of this missense change (SIFT: "Not Available"; PolyPhen-2: "Probably Damaging"; Align-GVGD: "Not Available"). This variant has not been reported in the literature in individuals affected with CFI-related conditions. This variant is present in population databases (no rsID available, gnomAD 0.003%). This sequence change replaces tyrosine, which is neutral and polar, with histidine, which is basic and polar, at codon 369 of the CFI protein (p.Tyr369His).

NM_000204.5(CFI):c.1105T>C (p.Tyr369His)

Gene: CFI (complement factor I; minus strand). Cytogenetic location: 4q25.
Variant type: single nucleotide variant.
Coding change: c.1105T>C on transcript NM_000204.5 (MANE Select); coding-DNA position 1105, T replaced by C.
Protein change: p.Tyr369His; replaces tyrosine 369 with histidine.
Molecular consequence: missense variant. On other transcripts: non-coding transcript variant (3).
Genome position (GRCh38, 1-based): chr4:109,749,261, A>G on the plus strand (T>C on the coding strand, the complement: CFI is on the minus strand). VCF-style: chr4-109749261-A-G. GRCh37 (hg19) VCF-style: chr4-110670417-A-G.
Other names: c.1129T>C, p.Tyr377His (NM_001318057.2, NM_001375278.1); c.1084T>C, p.Tyr362His (NM_001331035.2, NM_001375280.1, NM_001375282.1); c.1105T>C, p.Tyr369His (NM_001375279.1, NM_001375281.1); c.1048T>C, p.Tyr350His (NM_001375283.1); c.496T>C, p.Tyr166His (NM_001375284.1); short protein forms Y350H, Y362H, Y369H, Y166H, Y377H.
Identifiers: ClinVar variation 2004021 (VCV002004021.4), dbSNP rs1407460833, ClinGen allele CA357858757.